The following is an entry in ClinVar:

NM_203447.4(DOCK8):c.5423A>T (p.Asp1808Val)

Gene: DOCK8 (dedicator of cytokinesis 8; plus strand). Cytogenetic location: 9p24.3.
Variant type: single nucleotide variant.
Coding change: c.5423A>T on transcript NM_203447.4 (MANE Select); coding-DNA position 5423, A replaced by T.
Protein change: p.Asp1808Val; replaces aspartic acid 1808 with valine.
Molecular consequence: missense variant.
Genome position (GRCh38, 1-based): chr9:441,942, A>T. VCF-style: chr9-441942-A-T. GRCh37 (hg19) VCF-style: chr9-441942-A-T.
Other names: c.5123A>T, p.Asp1708Val (NM_001190458.2); c.5219A>T, p.Asp1740Val (NM_001193536.2); short protein forms D1740V, D1808V, D1708V.
Identifiers: ClinVar variation 2126328 (VCV002126328.4), dbSNP rs2057106702, ClinGen allele CA372768385.

ClinVar aggregate classification (germline): Uncertain significance (1 of 4 stars; one submission).

Conditions:
Combined immunodeficiency due to DOCK8 deficiency (HIES2). Also called: HIES autosomal recessive; HYPER-IgE RECURRENT INFECTION SYNDROME 2, AUTOSOMAL RECESSIVE; DOCK8 Deficiency; Hyper-IgE recurrent infection syndrome, autosomal recessive; HYPER-IgE SYNDROME 2, AUTOSOMAL RECESSIVE, WITH RECURRENT INFECTIONS. Identifiers: Orphanet 217390, MedGen C4722305, MONDO:0009478, OMIM 243700.

Allele frequency attached by ClinVar (database versions not stated): TOPMed below 0.00001.

Submission:

Labcorp Genetics (formerly Invitae), Labcorp
Classification: Uncertain significance for Combined immunodeficiency due to DOCK8 deficiency. Last evaluated: 2024-02-24. Review status: criteria provided, single submitter. Criteria: Invitae Variant Classification Sherloc (09022015). Collection method: clinical testing. Allele origin: germline.
Comment: This sequence change replaces aspartic acid, which is acidic and polar, with valine, which is neutral and non-polar, at codon 1808 of the DOCK8 protein (p.Asp1808Val). This variant is not present in population databases (gnomAD no frequency). This variant has not been reported in the literature in individuals affected with DOCK8-related conditions. ClinVar contains an entry for this variant (Variation ID: 2126328). Advanced modeling of protein sequence and biophysical properties (such as structural, functional, and spatial information, amino acid conservation, physicochemical variation, residue mobility, and thermodynamic stability) has been performed at Invitae for this missense variant, however the output from this modeling did not meet the statistical confidence thresholds required to predict the impact of this variant on DOCK8 protein function. In summary, the available evidence is currently insufficient to determine the role of this variant in disease. Therefore, it has been classified as a Variant of Uncertain Significance.